The following is an entry in ClinVar:

NM_024408.4(NOTCH2):c.2982-3T>C

Gene: NOTCH2 (notch receptor 2; minus strand). Cytogenetic location: 1p12.
Variant type: single nucleotide variant.
Coding change: c.2982-3T>C on transcript NM_024408.4 (MANE Select); 3 bases into the intron before coding-DNA position 2982, T replaced by C.
Molecular consequence: intron variant.
Genome position (GRCh38, 1-based): chr1:119,940,759, A>G on the plus strand (T>C on the coding strand, the complement: NOTCH2 is on the minus strand). VCF-style: chr1-119940759-A-G. GRCh37 (hg19) VCF-style: chr1-120483382-A-G.
Other names: c.2982-3T>C (NM_001200001.2).
Identifiers: ClinVar variation 1469819 (VCV001469819.6), dbSNP rs1553196359, ClinGen allele CA525736573.

ClinVar aggregate classification (germline): Uncertain significance (1 of 4 stars; one submission).

Conditions:
Hajdu-Cheney syndrome (HJCYS). Also called: ACROOSTEOLYSIS WITH OSTEOPOROSIS AND CHANGES IN SKULL AND MANDIBLE; Acroosteolysis dominant type; SERPENTINE FIBULA-POLYCYSTIC KIDNEY SYNDROME. Identifiers: Orphanet 955, MedGen C0917715, MONDO:0007057, OMIM 102500.

Allele frequency attached by ClinVar (database versions not stated): gnomAD exomes below 0.00001 and 0.00001; TOPMed below 0.00001; gnomAD 0.00001.
gnomAD v4.1: 4 of 1,613,760 alleles (0.00025%); highest among the groups gnomAD compares: Non-Finnish European, 0.00034%; no homozygotes.

Submission:

Labcorp Genetics (formerly Invitae), Labcorp
Classification: Uncertain significance for Hajdu-Cheney syndrome. Last evaluated: 2021-12-02. Review status: criteria provided, single submitter. Criteria: Invitae Variant Classification Sherloc (09022015). Collection method: clinical testing. Allele origin: germline.
Comment: In summary, the available evidence is currently insufficient to determine the role of this variant in disease. Therefore, it has been classified as a Variant of Uncertain Significance. Variants that disrupt the consensus splice site are a relatively common cause of aberrant splicing (PMID: 17576681, 9536098). Algorithms developed to predict the effect of sequence changes on RNA splicing suggest that this variant is not likely to affect RNA splicing. This variant has not been reported in the literature in individuals affected with NOTCH2-related conditions. This variant is present in population databases (no rsID available, gnomAD 0.0009%). This sequence change falls in intron 18 of the NOTCH2 gene. It does not directly change the encoded amino acid sequence of the NOTCH2 protein. It affects a nucleotide within the consensus splice site.

Literature cited by the submitters: PubMed 17576681; PubMed 9536098.